The following is an entry in ClinVar:

ClinVar aggregate classification (germline): Uncertain significance (1 of 4 stars; one submission).

Allele frequency attached by ClinVar (database versions not stated): gnomAD exomes below 0.00001.
gnomAD v4.1: 1 of 1,614,196 alleles (0.000062%); highest among the groups gnomAD compares: Non-Finnish European, 0.000085%; no homozygotes.

Submission:

Labcorp Genetics (formerly Invitae), Labcorp
Classification: Uncertain significance. Last evaluated: 2020-01-16. Review status: criteria provided, single submitter. Criteria: Invitae Variant Classification Sherloc (09022015). Collection method: clinical testing. Allele origin: germline.
Comment: This sequence change replaces proline with threonine at codon 986 of the TOPORS protein (p.Pro986Thr). The proline residue is weakly conserved and there is a small physicochemical difference between proline and threonine. This variant is not present in population databases (ExAC no frequency). This variant has not been reported in the literature in individuals with TOPORS-related conditions. Algorithms developed to predict the effect of missense changes on protein structure and function are either unavailable or do not agree on the potential impact of this missense change (SIFT: "Tolerated"; PolyPhen-2: "Not Available"; Align-GVGD: "Class C0"). In summary, the available evidence is currently insufficient to determine the role of this variant in disease. Therefore, it has been classified as a Variant of Uncertain Significance.

NM_005802.5(TOPORS):c.2956C>A (p.Pro986Thr)

Gene: TOPORS (TOP1 binding arginine/serine rich protein, E3 ubiquitin ligase; minus strand). Cytogenetic location: 9p21.1.
Variant type: single nucleotide variant.
Coding change: c.2956C>A on transcript NM_005802.5 (MANE Select); coding-DNA position 2956, C replaced by A.
Protein change: p.Pro986Thr; replaces proline 986 with threonine.
Molecular consequence: missense variant.
Genome position (GRCh38, 1-based): chr9:32,541,569, G>T on the plus strand (C>A on the coding strand, the complement: TOPORS is on the minus strand). VCF-style: chr9-32541569-G-T. GRCh37 (hg19) VCF-style: chr9-32541567-G-T.
Other names: c.2761C>A, p.Pro921Thr (NM_001195622.2); short protein forms P921T, P986T.
Identifiers: ClinVar variation 1043368 (VCV001043368.8), dbSNP rs1821059194, ClinGen allele CA373159836.